The following is an entry in ClinVar:

NM_005462.5(MAGEC1):c.923G>C (p.Ser308Thr)

Gene: MAGEC1 (MAGE family member C1; plus strand). Cytogenetic location: Xq27.2.
Variant type: single nucleotide variant.
Coding change: c.923G>C on transcript NM_005462.5 (MANE Select); coding-DNA position 923, G replaced by C.
Protein change: p.Ser308Thr; replaces serine 308 with threonine.
Molecular consequence: missense variant.
Genome position (GRCh38, 1-based): chrX:141,906,327, G>C. VCF-style: chrX-141906327-G-C. GRCh37 (hg19) VCF-style: chrX-140994113-G-C.
Other names: short protein forms S308T.
Identifiers: ClinVar variation 2346401 (VCV002346401.27), dbSNP rs879070866, ClinGen allele CA10533436.

ClinVar aggregate classification (germline): Conflicting classifications of pathogenicity. Review status: criteria provided, conflicting classifications (1 of 4 stars). 2 submissions from 2 submitters: Uncertain significance (1); Likely benign (1). Last evaluated 2025-01-02.

Allele frequency attached by ClinVar (database versions not stated): gnomAD 0.00025.

Submissions (2):

Ambry Genetics
Classification: Uncertain significance. Last evaluated: 2025-01-02. Review status: criteria provided, single submitter. Criteria: Ambry Variant Classification Scheme 2023. Collection method: clinical testing. Allele origin: germline.

CeGaT Center for Human Genetics Tuebingen
Classification: Likely benign. Last evaluated: 2023-01-01. Review status: criteria provided, single submitter. Criteria: CeGaT Center For Human Genetics Tuebingen Variant Classification Criteria Version 2. Collection method: clinical testing. Allele origin: germline. Affected: yes. Observed: 1 variant allele.
Comment: MAGEC1: BS2